The following is an entry in ClinVar:

NM_005221.6(DLX5):c.702C>A (p.Ser234Arg)

Gene: DLX5 (distal-less homeobox 5; minus strand). Cytogenetic location: 7q21.3.
Variant type: single nucleotide variant.
Coding change: c.702C>A on transcript NM_005221.6 (MANE Select); coding-DNA position 702, C replaced by A.
Protein change: p.Ser234Arg; replaces serine 234 with arginine.
Molecular consequence: missense variant.
Genome position (GRCh38, 1-based): chr7:97,020,904, G>T on the plus strand (C>A on the coding strand, the complement: DLX5 is on the minus strand). VCF-style: chr7-97020904-G-T. GRCh37 (hg19) VCF-style: chr7-96650216-G-T.
Other names: short protein forms S234R.
Identifiers: ClinVar variation 1212745 (VCV001212745.33), dbSNP rs35273378, ClinGen allele CA4353941.

ClinVar aggregate classification (germline): Benign/Likely benign. Review status: criteria provided, multiple submitters, no conflicts (2 of 4 stars). 4 submissions from 4 submitters: Benign (2); Likely benign (2). Last evaluated 2026-09-01.

Allele frequency attached by ClinVar (database versions not stated): 1000 Genomes Project 30x 0.00406; 1000 Genomes Project 0.00439; ESP Exome Variant Server 0.00861.
gnomAD v4.1: 18,448 of 1,614,188 alleles (1.1%); highest among the groups gnomAD compares: Non-Finnish European, 1.3%; 126 homozygotes.

Submissions (4):

CeGaT Center for Human Genetics Tuebingen
Classification: Benign. Last evaluated: 2026-09-01. Review status: criteria provided, single submitter. Criteria: CeGaT Center For Human Genetics Tuebingen Variant Classification Criteria Version 2. Collection method: clinical testing. Allele origin: germline. Affected: yes. Observed: 8 variant alleles.
Comment: DLX5: BS1, BS2

Labcorp Genetics (formerly Invitae), Labcorp
Classification: Benign. Last evaluated: 2025-12-16. Review status: criteria provided, single submitter. Criteria: Invitae Variant Classification Sherloc (09022015). Collection method: clinical testing. Allele origin: germline.

GeneDx
Classification: Likely benign. Last evaluated: 2021-03-19. Review status: criteria provided, single submitter. Criteria: GeneDx Variant Classification Process June 2021. Collection method: clinical testing. Allele origin: germline. Affected: yes.

Breakthrough Genomics
Classification: Likely benign. Review status: criteria provided, single submitter. Criteria: ACMG Guidelines, 2015. Collection method: not provided. Allele origin: germline. Inheritance: Autosomal recessive inheritance. Affected: yes.